The following is an entry in ClinVar:

ClinVar aggregate classification (germline): Conflicting classifications of pathogenicity. Review status: criteria provided, conflicting classifications (1 of 4 stars). 9 submissions from 9 submitters: Uncertain significance (6); Likely benign (2). 1 of the submissions does not count toward it. Last evaluated 2025-11-04.

Conditions:
Hereditary cancer-predisposing syndrome. Also called: Tumor predisposition; Neoplastic Syndromes, Hereditary; Hereditary Cancer Syndrome; Hereditary neoplastic syndrome. Identifiers: Orphanet 140162, MedGen C0027672, MeSH D009386, MONDO:0015356.
Hereditary breast ovarian cancer syndrome. Also called: Hereditary breast and ovarian cancer syndrome (HBOC); Hereditary breast and ovarian cancer syndrome; Hereditary breast and ovarian cancer; Hereditary breast and/or ovarian cancer syndrome; Breast and ovarian cancer; BRCA1- and BRCA2-Associated Hereditary Breast and Ovarian Cancer. Identifiers: Orphanet 145, MedGen C0677776, MeSH D061325, MONDO:0003582. Disease mechanism: loss of function.
Breast-ovarian cancer, familial, susceptibility to, 1 (BROVCA1). Also called: OVARIAN CANCER, SUSCEPTIBILITY TO; BRCA1 Hereditary Breast and Ovarian Cancer. Identifiers: Orphanet 145, MedGen C2676676, MONDO:0011450, OMIM 604370. Disease mechanism: loss of function.

gnomAD v4.1: 1 of 1,614,060 alleles (0.000062%); no homozygotes.

Submissions (9):

Labcorp Genetics (formerly Invitae), Labcorp
Classification: Uncertain significance for Hereditary breast ovarian cancer syndrome. Last evaluated: 2025-11-04. Review status: criteria provided, single submitter. Criteria: Invitae Variant Classification Sherloc (09022015). Collection method: clinical testing. Allele origin: germline.
Comment: This sequence change replaces serine, which is neutral and polar, with arginine, which is basic and polar, at codon 628 of the BRCA1 protein (p.Ser628Arg). This variant is not present in population databases (gnomAD no frequency). This missense change has been observed in individual(s) with breast and/or ovarian cancer (PMID: 18273839, 36605468). ClinVar contains an entry for this variant (Variation ID: 54380). Invitae Evidence Modeling of protein sequence and biophysical properties (such as structural, functional, and spatial information, amino acid conservation, physicochemical variation, residue mobility, and thermodynamic stability) indicates that this missense variant is not expected to disrupt BRCA1 protein function with a negative predictive value of 80%. In summary, the available evidence is currently insufficient to determine the role of this variant in disease. Therefore, it has been classified as a Variant of Uncertain Significance.

Ambry Genetics
Classification: Uncertain significance for Hereditary cancer-predisposing syndrome. Last evaluated: 2025-07-25. Review status: criteria provided, single submitter. Criteria: Ambry Variant Classification Scheme 2023. Collection method: clinical testing. Allele origin: germline.
Comment: The p.S628R variant (also known as c.1884T>G), located in coding exon 9 of the BRCA1 gene, results from a T to G substitution at nucleotide position 1884. The serine at codon 628 is replaced by arginine, an amino acid with dissimilar properties. This alteration has been classified as likely to be neutral or of little clinical significance based on a classification system using interspecific sequence variation (Abkevich V et al. J. Med. Genet., 2004 Jul;41:492-507). This amino acid position is poorly conserved in available vertebrate species. In addition, the in silico prediction for this alteration is inconclusive. Since supporting evidence is limited at this time, the clinical significance of this alteration remains unclear.

Myriad Genetics, Inc.
Classification: Likely benign for Breast-ovarian cancer, familial, susceptibility to, 1. Last evaluated: 2024-08-23. Review status: criteria provided, single submitter. Criteria: Myriad Autosomal Dominant, Autosomal Recessive and X-Linked Classification Criteria (2023). Collection method: clinical testing. Allele origin: unknown.
Comment: This variant is considered likely benign. This variant is strongly associated with less severe personal and family histories of cancer, typical for individuals without pathogenic variants in this gene [PMID: 25085752].

All of Us Research Program, National Institutes of Health
Classification: Uncertain significance for Breast-ovarian cancer, familial, susceptibility to, 1. Last evaluated: 2024-02-05. Review status: criteria provided, single submitter. Criteria: ACMG Guidelines, 2015. Collection method: clinical testing. Allele origin: germline. Inheritance: Autosomal dominant inheritance. Observed: 2 variant alleles, 2 heterozygotes.
Comment: This missense variant replaces serine with arginine at codon 628 of the BRCA1 protein. Computational prediction is inconclusive regarding the impact of this variant on protein structure and function (internally defined REVEL score threshold 0.5 < inconclusive < 0.7, PMID: 27666373). To our knowledge, functional studies have not been reported for this variant. This variant has been observed in an individual affected with breast cancer (PMID: 36605468), and an individual affected with prostate cancer (PMID: 22516946). This variant has not been identified in the general population by the Genome Aggregation Database (gnomAD). The available evidence is insufficient to determine the role of this variant in disease conclusively. Therefore, this variant is classified as a Variant of Uncertain Significance.

This study involves interpretation of variants in research participants for the purpose of population health screening. Participant phenotype was not available at the time of variant classification. Additional details can be found in publication PMID: 35346344, PMCID: PMC8962531

Color Diagnostics, LLC DBA Color Health
Classification: Uncertain significance for Hereditary cancer-predisposing syndrome. Last evaluated: 2023-08-02. Review status: criteria provided, single submitter. Criteria: ACMG Guidelines, 2015. Collection method: clinical testing. Allele origin: germline.
Comment: This missense variant replaces serine with arginine at codon 628 of the BRCA1 protein. Computational prediction is inconclusive regarding the impact of this variant on protein structure and function (internally defined REVEL score threshold 0.5 < inconclusive < 0.7, PMID: 27666373). To our knowledge, functional studies have not been reported for this variant. This variant has been observed in an individual affected with breast cancer (PMID: 36605468), and an individual affected with prostate cancer (PMID: 22516946). This variant has not been identified in the general population by the Genome Aggregation Database (gnomAD). The available evidence is insufficient to determine the role of this variant in disease conclusively. Therefore, this variant is classified as a Variant of Uncertain Significance.

University of Washington Department of Laboratory Medicine, University of Washington
Classification: Likely benign for Hereditary cancer-predisposing syndrome. Last evaluated: 2023-03-23. Review status: criteria provided, single submitter. Criteria: Dines et al. (Genet Med. 2020). Collection method: curation. Allele origin: germline.
Comment: Missense variant in a coldspot region where missense variants are very unlikely to be pathogenic (PMID:31911673).

BRCA1 coldspot (exon 11 using historical exon numbering). Reclassification based on statistical prior probability

Sema4
Classification: Uncertain significance for Hereditary cancer-predisposing syndrome. Last evaluated: 2021-11-22. Review status: criteria provided, single submitter. Criteria: Sema4 Curation Guidelines. Collection method: curation. Allele origin: germline.
Comment: The BRCA1 c.1884T>G (p.S628R) variant has been reported in individual(s) with breast and /or ovarian cancer (PMID: 18273839). This variant was not observed in the large and broad cohorts of the Genome Aggregation Database (PMID: 32461654). The variant has been reported in ClinVar (Variation ID:54380). Functional studies have not been performed, and in silico predictions of the variant's effect on protein function are inconclusive. The evidence is insufficient to meet ACMG/AMP criteria for classifying the variant as benign or pathogenic. Thus, the clinical significance of this variant is currently uncertain.

Institute of Human Genetics, University of Leipzig Medical Center
Classification: Uncertain significance for Breast-ovarian cancer, familial, susceptibility to, 1. Last evaluated: 2019-01-01. Review status: criteria provided, single submitter. Criteria: ACMG Guidelines, 2015. Collection method: clinical testing. Allele origin: unknown. Affected: yes.

Breast Cancer Information Core (BIC) (BRCA1)
Classification: Uncertain significance for Breast-ovarian cancer, familial 1. Last evaluated: 2002-05-29. Review status: no assertion criteria provided. Collection method: clinical testing. Allele origin: germline. Affected: yes. Observed: 1 variant allele. Not counted in ClinVar's aggregate classification.

Literature cited by the submitters: PubMed 18273839 (cited by Labcorp Genetics (formerly Invitae), Labcorp and Sema4); PubMed 36605468 (cited by 3 submitters); PubMed 15235020 (cited by Ambry Genetics); PubMed 16518693 (cited by Ambry Genetics); PubMed 25085752 (cited by Myriad Genetics, Inc.); PubMed 22516946 (cited by All of Us Research Program, National Institutes of Health and Color Diagnostics, LLC DBA Color Health).

NM_007294.4(BRCA1):c.1884T>G (p.Ser628Arg)

Gene: BRCA1 (BRCA1 DNA repair associated; minus strand). Cytogenetic location: 17q21.31.
Variant type: single nucleotide variant.
Coding change: c.1884T>G on transcript NM_007294.4 (MANE Select); coding-DNA position 1884, T replaced by G.
Protein change: p.Ser628Arg; replaces serine 628 with arginine.
Molecular consequence: missense variant. On other transcripts: intron variant (137).
Genome position (GRCh38, 1-based): chr17:43,093,647, A>C on the plus strand (T>G on the coding strand, the complement: BRCA1 is on the minus strand). VCF-style: chr17-43093647-A-C. GRCh37 (hg19) VCF-style: chr17-41245664-A-C.
Other names: c.1620T>G, p.Ser540Arg (NM_001407924.1, NM_001407925.1, NM_001407926.1 and 9 more transcripts); c.1617T>G, p.Ser539Arg (NM_001407930.1, NM_001407931.1, NM_001407932.1 and 2 more transcripts); c.1761T>G, p.Ser587Arg (NM_001407937.1, NM_001407938.1, NM_001407939.1 and 19 more transcripts); c.1758T>G, p.Ser586Arg (NM_001407940.1, NM_001407941.1, NM_001407649.1 and 11 more transcripts); c.1743T>G, p.Ser581Arg (NM_001407942.1, NM_001407944.1, NM_001407945.1 and 29 more transcripts); c.1740T>G, p.Ser580Arg (NM_001407943.1, NM_001407964.1, NM_001407740.1 and 20 more transcripts); c.1551T>G, p.Ser517Arg (NM_001407946.1, NM_001407947.1, NM_001407948.1 and 6 more transcripts); c.1548T>G, p.Ser516Arg (NM_001407954.1, NM_001407955.1, NM_001407956.1 and 1 more transcripts); and 40 more; short protein forms S628R, S581R, S332R, S558R, S601R, S602R, S500R, S501R.
Identifiers: ClinVar variation 54380 (VCV000054380.26), dbSNP rs80357495, ClinGen allele CA001226.
Genomic context (GRCh38, chr17:43,093,647, plus strand): 5'-TTCACTGCTAGAACAACTATCAATTTGCAATTCAGTACAATTAGGTGGGCTTAGATTTCT[A>C]CTGACTACTAGTTCAAGCGCATGAATATGCCTGGTAGAAGACTTCCTCCTCAGCCTATTC-3'
Protein context (NP_009225.1, residues 618-638): RHIHALELVV[Ser628Arg]RNLSPPNCTE